The following is an entry in ClinVar:

NM_000271.5(NPC1):c.3718G>A (p.Gly1240Arg)

Gene: NPC1 (NPC intracellular cholesterol transporter 1; minus strand). Cytogenetic location: 18q11.2.
Variant type: single nucleotide variant.
Coding change: c.3718G>A on transcript NM_000271.5 (MANE Select); coding-DNA position 3718, G replaced by A.
Protein change: p.Gly1240Arg; replaces glycine 1240 with arginine.
Molecular consequence: missense variant.
Genome position (GRCh38, 1-based): chr18:23,533,391, C>T on the plus strand (G>A on the coding strand, the complement: NPC1 is on the minus strand). VCF-style: chr18-23533391-C-T. GRCh37 (hg19) VCF-style: chr18-21113355-C-T.
Other names: short protein forms G1240R.
Identifiers: ClinVar variation 2506169 (VCV002506169.3), dbSNP rs745892286, ClinGen allele CA8912679.

ClinVar aggregate classification (germline): Likely pathogenic. Review status: criteria provided, multiple submitters, no conflicts (2 of 4 stars). 2 submissions from 2 submitters: Likely pathogenic (2). Last evaluated 2025-08-05.

Conditions:
Niemann-Pick disease, type C1. Also called: NIEMANN-PICK DISEASE, VARIANT TYPE C1; NEUROVISCERAL STORAGE DISEASE WITH VERTICAL SUPRANUCLEAR OPHTHALMOPLEGIA; NIEMANN-PICK DISEASE WITH CHOLESTEROL ESTERIFICATION BLOCK; NIEMANN-PICK DISEASE WITHOUT SPHINGOMYELINASE DEFICIENCY; NIEMANN-PICK DISEASE, CHRONIC NEURONOPATHIC FORM. Identifiers: Orphanet 646, MedGen C3179455, MONDO:0009757, OMIM 257220.
Niemann-Pick disease, type C (NPC). Identifiers: Orphanet 646, MedGen C0220756, MONDO:0018982.

Allele frequency attached by ClinVar (database versions not stated): gnomAD exomes below 0.00001; TOPMed below 0.00001; ExAC 0.00001.
gnomAD v4.1: 2 of 1,614,076 alleles (0.00012%); highest among the groups gnomAD compares: Middle Eastern, 0.016%; no homozygotes.

Submissions (2):

Women's Health and Genetics/Laboratory Corporation of America, LabCorp
Classification: Likely pathogenic for Niemann-Pick disease, type C. Last evaluated: 2025-08-05. Review status: criteria provided, single submitter. Criteria: LabCorp Variant Classification Summary - May 2015. Collection method: clinical testing. Allele origin: germline.
Comment: Variant summary: NPC1 c.3718G>A (p.Gly1240Arg) results in a non-conservative amino acid change in the encoded protein sequence. Algorithms developed to predict the effect of missense changes on protein structure and function all suggest that this variant is likely to be disruptive. The variant allele was found at a frequency of 4e-06 in 251446 control chromosomes. c.3718G>A has been observed in individual(s) affected with Niemann-Pick Disease Type C or acute liver failure (Runz_2008, Chamova_2016, LopezdeFrutos_2020, Hegarty_2021). These data indicate that the variant is very likely to be associated with disease. One publication reports experimental evidence evaluating an impact on protein function, showing the variant is reponsive to cholesterol-lowering treatments (Pipalia_2017). The following publications have been ascertained in the context of this evaluation (PMID: 26910362, 34023347, 32745579, 28193631, 18081003). ClinVar contains an entry for this variant (Variation ID: 2506169). Based on the evidence outlined above, the variant was classified as likely pathogenic.

Natera, Inc.
Classification: Likely pathogenic for Niemann-Pick disease type C1. Last evaluated: 2025-01-22. Review status: criteria provided, single submitter. Criteria: Natera Variant Classification Schema (03/2026). Collection method: clinical testing. Allele origin: germline.
Comment: The c.3718G>A variant in NPC1 is a missense variant predicted to cause substitution of glycine to arginine at amino acid 1240. This variant is rare in the general population with a frequency below the threshold expected for the associated phenotype(s). This variant has been observed in one or more individuals affected with the associated recessive disease, as either homozygous or compound heterozygous with a second variant (PMID: 26910362, 32745579, 36265573). Additionally, this variant has been observed to segregate in affected family members (PMID: 26910362). Computational prediction algorithms indicate this variant is likely to affect gene or protein function. Given the available evidence, this variant is classified as Likely Pathogenic.

Literature cited by the submitters: PubMed 18081003 (cited by Women's Health and Genetics/Laboratory Corporation of America, LabCorp); PubMed 28193631 (cited by Women's Health and Genetics/Laboratory Corporation of America, LabCorp); PubMed 32745579 (cited by Women's Health and Genetics/Laboratory Corporation of America, LabCorp and Natera, Inc.); PubMed 34023347 (cited by Women's Health and Genetics/Laboratory Corporation of America, LabCorp); PubMed 26910362 (cited by Women's Health and Genetics/Laboratory Corporation of America, LabCorp and Natera, Inc.); PubMed 36265573 (cited by Natera, Inc.).